The following is an entry in ClinVar:

NM_006944.3(SPP2):c.158C>G (p.Ser53Cys)

Gene: SPP2 (secreted phosphoprotein 2; plus strand). Cytogenetic location: 2q37.1.
Variant type: single nucleotide variant.
Coding change: c.158C>G on transcript NM_006944.3 (MANE Select); coding-DNA position 158, C replaced by G.
Protein change: p.Ser53Cys; replaces serine 53 with cysteine.
Molecular consequence: missense variant.
Genome position (GRCh38, 1-based): chr2:234,051,043, C>G. VCF-style: chr2-234051043-C-G. GRCh37 (hg19) VCF-style: chr2-234959687-C-G.
Other names: short protein forms S53C.
Identifiers: ClinVar variation 960366 (VCV000960366.8), dbSNP rs144683165, ClinGen allele CA2183097.
Genomic context (GRCh38, chr2:234,051,043, plus strand): 5'-ACGACTACGATCCATCCTCCTTAAGGGATGCCCTCAGTGCCTCTGTGGTAAAAGTGAATT[C>G]CCAGTCACTGAGTCCGTATCTGTTTCGGGCATTCAGAAGCTCATTAAAAAGAGTAAGTGC-3'
Protein context (NP_008875.1, residues 43-63): ALSASVVKVN[Ser53Cys]QSLSPYLFRA

ClinVar aggregate classification (germline): Uncertain significance (1 of 4 stars; one submission).

Allele frequency attached by ClinVar (database versions not stated): gnomAD exomes 0.00003 and 0.00009; ExAC 0.00007; 1000 Genomes Project 30x 0.00016; 1000 Genomes Project 0.00020; ESP Exome Variant Server 0.00023; gnomAD 0.00024 and 0.00026; TOPMed 0.00028.
gnomAD v4.1: 80 of 1,614,014 alleles (0.005%); highest among the groups gnomAD compares: African/African-American, 0.084%; 1 homozygote.

Submission:

Labcorp Genetics (formerly Invitae), Labcorp
Classification: Uncertain significance. Last evaluated: 2025-04-27. Review status: criteria provided, single submitter. Criteria: Invitae Variant Classification Sherloc (09022015). Collection method: clinical testing. Allele origin: germline.
Comment: This sequence change replaces serine, which is neutral and polar, with cysteine, which is neutral and slightly polar, at codon 53 of the SPP2 protein (p.Ser53Cys). This variant is present in population databases (rs144683165, gnomAD 0.1%), and has an allele count higher than expected for a pathogenic variant. This variant has not been reported in the literature in individuals affected with SPP2-related conditions. ClinVar contains an entry for this variant (Variation ID: 960366). An algorithm developed to predict the effect of missense changes on protein structure and function (PolyPhen-2) suggests that this variant is likely to be disruptive. In summary, the available evidence is currently insufficient to determine the role of this variant in disease. Therefore, it has been classified as a Variant of Uncertain Significance.